The following is an entry in ClinVar:

NM_005475.3(SH2B3):c.1718C>T (p.Thr573Ile)

Gene: SH2B3 (SH2B adaptor protein 3; plus strand). Cytogenetic location: 12q24.12.
Variant type: single nucleotide variant.
Coding change: c.1718C>T on transcript NM_005475.3 (MANE Select); coding-DNA position 1718, C replaced by T.
Protein change: p.Thr573Ile; replaces threonine 573 with isoleucine.
Molecular consequence: missense variant.
Genome position (GRCh38, 1-based): chr12:111,448,292, C>T. VCF-style: chr12-111448292-C-T. GRCh37 (hg19) VCF-style: chr12-111886096-C-T.
Other names: c.1112C>T, p.Thr371Ile (NM_001291424.1); short protein forms T371I, T573I.
Identifiers: ClinVar variation 4824353 (VCV004824353.1).

ClinVar aggregate classification (germline): Uncertain significance (1 of 4 stars; one submission).

Conditions:
Inborn genetic diseases. Identifiers: MedGen C0950123, MeSH D030342.

Submission:

Ambry Genetics
Classification: Uncertain significance for Inborn genetic diseases. Last evaluated: 2026-01-24. Review status: criteria provided, single submitter. Criteria: Ambry Variant Classification Scheme 2023. Collection method: clinical testing. Allele origin: germline.
Comment: The p.T573I variant (also known as c.1718C>T), located in coding exon 7 of the SH2B3 gene, results from a C to T substitution at nucleotide position 1718. The threonine at codon 573 is replaced by isoleucine, an amino acid with similar properties. This amino acid position is conserved. In addition, the in silico prediction for this alteration is inconclusive. Based on the available evidence, the clinical significance of this variant remains unclear.